The following is an entry in ClinVar:

ClinVar aggregate classification (germline): Conflicting classifications of pathogenicity. Review status: criteria provided, conflicting classifications (1 of 4 stars). 3 submissions from 3 submitters: Pathogenic (1); Uncertain significance (2). Last evaluated 2023-01-24.

Conditions:
PLA2G6-associated neurodegeneration (PLAN). Also called: phospholipase A2-associated neurodegeneration. Identifiers: Orphanet 329303, MedGen CN204472, MONDO:0017998.
Iron accumulation in brain. Identifiers: MedGen C4021076, HP:0012675.

Allele frequency attached by ClinVar (database versions not stated): ExAC 0.00001; gnomAD exomes 0.00001.
gnomAD v4.1: 3 of 1,613,894 alleles (0.00019%); highest among the groups gnomAD compares: Admixed American, 0.005%; no homozygotes.

Submissions (3):

Broad Center for Mendelian Genomics, Broad Institute of MIT and Harvard
Classification: Uncertain significance for PLA2G6-associated neurodegeneration. Last evaluated: 2023-01-24. Review status: criteria provided, single submitter. Criteria: ACMG Guidelines, 2015. Collection method: curation. Allele origin: germline. Inheritance: Autosomal recessive inheritance.
Comment: The p.Glu567Lys variant in PLA2G6 has been reported in 1 individual, in the compound heterozygous state, with PLA2G6-associated neurodegeneration (PMID: 16783378), and has been identified in 0.009% (3/34590) of Latino/Admixed American chromosomes by the Genome Aggregation Database (gnomAD; dbSNP ID: rs587784337). Although this variant has been seen in the general population in a heterozygous state, its frequency is low enough to be consistent with a recessive carrier frequency. This variant has also been reported in ClinVar (Variation ID#: 159743) and has been interpreted as pathogenic by Genetic Services Laboratory (University of Chicago). Computational prediction tools and conservation analyses do not provide strong support for or against an impact to the protein In summary, the clinical significance of the p.Glu567Lys variant is uncertain. ACMG/AMP Criteria applied: PM2_supporting (Richards 2015).

GeneDx
Classification: Uncertain significance. Last evaluated: 2022-05-24. Review status: criteria provided, single submitter. Criteria: GeneDx Variant Classification Process June 2021. Collection method: clinical testing. Allele origin: germline. Affected: yes.
Comment: Observed with a second PLA2G6 variant, phase unknown, in an individual with infantile neuroaxonal dystrophy with brain iron in the published literature (Morgan et al., 2006); Not observed at significant frequency in large population cohorts (gnomAD); In silico analysis supports that this missense variant does not alter protein structure/function; This variant is associated with the following publications: (PMID: 26828213, 16783378, 30363890, 31540697)

Genetic Services Laboratory, University of Chicago
Classification: Pathogenic for iron accumulation in brain. Last evaluated: 2013-02-08. Review status: criteria provided, single submitter. Criteria: ACMG Guidelines, 2007. Collection method: clinical testing. Allele origin: germline. Inheritance: Autosomal recessive inheritance. Affected: yes.

NM_003560.4(PLA2G6):c.1699G>A (p.Glu567Lys)

Gene: PLA2G6 (phospholipase A2 group VI; minus strand). Cytogenetic location: 22q13.1.
Variant type: single nucleotide variant.
Coding change: c.1699G>A on transcript NM_003560.4 (MANE Select); coding-DNA position 1699, G replaced by A.
Protein change: p.Glu567Lys; replaces glutamic acid 567 with lysine.
Molecular consequence: missense variant.
Genome position (GRCh38, 1-based): chr22:38,120,802, C>T on the plus strand (G>A on the coding strand, the complement: PLA2G6 is on the minus strand). VCF-style: chr22-38120802-C-T. GRCh37 (hg19) VCF-style: chr22-38516809-C-T.
Other names: NM_003560.4(PLA2G6):c.1699G>A; p.Glu567Lys; c.1537G>A, p.Glu513Lys (NM_001004426.3, NM_001199562.3, NM_001349865.2 and 1 more transcripts); c.1699G>A, p.Glu567Lys (NM_001349864.2); c.1165G>A, p.Glu389Lys (NM_001349867.2); c.1021G>A, p.Glu341Lys (NM_001349868.2); c.1003G>A, p.Glu335Lys (NM_001349869.2); short protein forms E567K, E513K, E335K, E341K, E389K.
Identifiers: ClinVar variation 159743 (VCV000159743.9), dbSNP rs587784337, ClinGen allele CA173224.
Genomic context (GRCh38, chr22:38,120,802, plus strand): 5'-AGTGCGCCAGGGCTTACTTGGGTTTCCTGACGTCCGTCATCTTGGTGTGCTCCCCAAACT[C>T]CCGCTTCAGGAACTCCTCCAGGGGCCCCGACTCGTAGGGCCTGGAGCCCCGGAACACCTC-3'
Protein context (NP_003551.2, residues 557-577): SGPLEEFLKR[Glu567Lys]FGEHTKMTDV